The following is an entry in ClinVar:

ClinVar aggregate classification (germline): Uncertain significance. Review status: criteria provided, multiple submitters, no conflicts (2 of 4 stars). 2 submissions from 2 submitters: Uncertain significance (2). Last evaluated 2025-12-24.

Submissions (2):

GeneDx
Classification: Uncertain significance. Last evaluated: 2025-12-24. Review status: criteria provided, single submitter. Criteria: GeneDx Variant Classification Process June 2021. Collection method: clinical testing. Allele origin: germline.
Comment: Not observed at significant frequency in large population cohorts (gnomAD); In silico analysis suggests that this missense variant does not alter protein structure/function; Has not been previously published as pathogenic or benign to our knowledge

Labcorp Genetics (formerly Invitae), Labcorp
Classification: Uncertain significance. Last evaluated: 2025-02-23. Review status: criteria provided, single submitter. Criteria: Invitae Variant Classification Sherloc (09022015). Collection method: clinical testing. Allele origin: germline.
Comment: This sequence change replaces leucine, which is neutral and non-polar, with phenylalanine, which is neutral and non-polar, at codon 487 of the CTNNB1 protein (p.Leu487Phe). This variant is not present in population databases (gnomAD no frequency). This variant has not been reported in the literature in individuals affected with CTNNB1-related conditions. ClinVar contains an entry for this variant (Variation ID: 3343757). Invitae Evidence Modeling of protein sequence and biophysical properties (such as structural, functional, and spatial information, amino acid conservation, physicochemical variation, residue mobility, and thermodynamic stability) indicates that this missense variant is not expected to disrupt CTNNB1 protein function with a negative predictive value of 80%. In summary, the available evidence is currently insufficient to determine the role of this variant in disease. Therefore, it has been classified as a Variant of Uncertain Significance.

NM_001904.4(CTNNB1):c.1459C>T (p.Leu487Phe)

Genes: CTNNB1 (catenin beta 1; plus strand), LOC126806659 (BRD4-independent group 4 enhancer GRCh37_chr3:41274918-41276117; plus strand). Cytogenetic location: 3p22.1.
Variant type: single nucleotide variant.
Coding change: c.1459C>T on transcript NM_001904.4 (MANE Select); coding-DNA position 1459, C replaced by T.
Protein change: p.Leu487Phe; replaces leucine 487 with phenylalanine.
Molecular consequence: missense variant.
Genome position (GRCh38, 1-based): chr3:41,233,802, C>T. VCF-style: chr3-41233802-C-T. GRCh37 (hg19) VCF-style: chr3-41275293-C-T.
Other names: c.1459C>T, p.Leu487Phe (NM_001098209.2, NM_001098210.2); c.1438C>T, p.Leu480Phe (NM_001330729.2); short protein forms L480F, L487F.
Identifiers: ClinVar variation 3343757 (VCV003343757.3).